The following is an entry in ClinVar:

ClinVar aggregate classification (germline): Uncertain significance (1 of 4 stars; one submission).

Submission:

Ambry Genetics
Classification: Uncertain significance. Last evaluated: 2021-08-28. Review status: criteria provided, single submitter. Criteria: Ambry Variant Classification Scheme 2023. Collection method: clinical testing. Allele origin: germline.
Comment: The p.S277F variant (also known as c.830C>T), located in coding exon 3 of the ALPK2 gene, results from a C to T substitution at nucleotide position 830. The serine at codon 277 is replaced by phenylalanine, an amino acid with highly dissimilar properties. This amino acid position is conserved. In addition, this alteration is predicted to be tolerated by in silico analysis. Since supporting evidence is limited at this time, the clinical significance of this alteration remains unclear.

NM_052947.4(ALPK2):c.830C>T (p.Ser277Phe)

Genes: ALPK2 (alpha kinase 2; minus strand), LOC114803473 (ALPK2 eExon liver enhancer; plus strand). Cytogenetic location: 18q21.31.
Variant type: single nucleotide variant.
Coding change: c.830C>T on transcript NM_052947.4 (MANE Select); coding-DNA position 830, C replaced by T.
Protein change: p.Ser277Phe; replaces serine 277 with phenylalanine.
Molecular consequence: missense variant.
Genome position (GRCh38, 1-based): chr18:58,579,946, G>A on the plus strand (C>T on the coding strand, the complement: ALPK2 is on the minus strand). VCF-style: chr18-58579946-G-A. GRCh37 (hg19) VCF-style: chr18-56247178-G-A.
Other names: short protein forms S277F.
Identifiers: ClinVar variation 1762869 (VCV001762869.2), dbSNP rs755033005, ClinGen allele CA402567114.